The following is an entry in ClinVar:

ClinVar aggregate classification (germline): Conflicting classifications of pathogenicity. Review status: criteria provided, conflicting classifications (1 of 4 stars). 3 submissions from 3 submitters: Uncertain significance (2); Likely benign (1). Last evaluated 2023-06-30.

Conditions:
Juvenile polyposis syndrome (JPS). Identifiers: Orphanet 2929, MedGen C0345893, MONDO:0017380, OMIM 174900.
Hereditary cancer-predisposing syndrome. Also called: Hereditary neoplastic syndrome; Hereditary Cancer Syndrome; Neoplastic Syndromes, Hereditary; Tumor predisposition. Identifiers: Orphanet 140162, MedGen C0027672, MeSH D009386, MONDO:0015356.
Familial thoracic aortic aneurysm and aortic dissection (TAAD). Also called: Thoracic aortic aneurysms and dissections. Identifiers: Orphanet 91387, MedGen C4707243, MONDO:0019625.

Allele frequency attached by ClinVar (database versions not stated): ExAC 0.00041.

Submissions (3):

Labcorp Genetics (formerly Invitae), Labcorp
Classification: Uncertain significance for Juvenile polyposis syndrome. Last evaluated: 2023-06-30. Review status: criteria provided, single submitter. Criteria: Invitae Variant Classification Sherloc (09022015). Collection method: clinical testing. Allele origin: germline.
Comment: In summary, the available evidence is currently insufficient to determine the role of this variant in disease. Therefore, it has been classified as a Variant of Uncertain Significance. Advanced modeling of protein sequence and biophysical properties (such as structural, functional, and spatial information, amino acid conservation, physicochemical variation, residue mobility, and thermodynamic stability) performed at Invitae indicates that this missense variant is not expected to disrupt SMAD4 protein function. ClinVar contains an entry for this variant (Variation ID: 421348). This variant has not been reported in the literature in individuals affected with SMAD4-related conditions. The frequency data for this variant in the population databases is considered unreliable, as metrics indicate poor data quality at this position in the gnomAD database. This sequence change replaces glycine, which is neutral and non-polar, with alanine, which is neutral and non-polar, at codon 231 of the SMAD4 protein (p.Gly231Ala).

Ambry Genetics
Classification: Likely benign for Hereditary cancer-predisposing syndrome; Familial thoracic aortic aneurysm and aortic dissection. Last evaluated: 2022-12-23. Review status: criteria provided, single submitter. Criteria: Ambry Variant Classification Scheme 2023. Collection method: clinical testing. Allele origin: germline.

GeneDx
Classification: Uncertain significance. Last evaluated: 2016-06-02. Review status: criteria provided, single submitter. Criteria: GeneDx Variant Classification (06012015). Collection method: clinical testing. Allele origin: germline. Affected: yes.
Comment: This variant is denoted SMAD4 c.692G>C at the cDNA level, p.Gly231Ala (G231A) at the protein level, and results in the change of a Glycine to an Alanine (GGC>GCC). This variant has not, to our knowledge, been published in the literature as pathogenic or benign. SMAD4 Gly231Ala was not observed in approximately 6,500 individuals of European and African American ancestry in the NHLBI Exome Sequencing Project, suggesting it is not a common benign variant in these populations. Since Glycine and Alanine share similar properties, this is considered a conservative amino acid substitution. SMAD4 Gly231Ala occurs at a position where amino acids with properties similar to Glycine are tolerated across species and is not located in a known functional domain (UniProt). In silico analyses are inconsistent regarding the effect this variant may have on protein structure and function. Based on currently available evidence, it is unclear whether SMAD4 Gly231Ala is a pathogenic or benign variant. We consider it to be a variant of uncertain significance.

NM_005359.6(SMAD4):c.692G>C (p.Gly231Ala)

Gene: SMAD4 (SMAD family member 4; plus strand). Cytogenetic location: 18q21.2.
Variant type: single nucleotide variant.
Coding change: c.692G>C on transcript NM_005359.6 (MANE Select); coding-DNA position 692, G replaced by C.
Protein change: p.Gly231Ala; replaces glycine 231 with alanine.
Molecular consequence: missense variant.
Genome position (GRCh38, 1-based): chr18:51,058,149, G>C. VCF-style: chr18-51058149-G-C. GRCh37 (hg19) VCF-style: chr18-48584519-G-C.
Other names: short protein forms G231A.
Identifiers: ClinVar variation 421348 (VCV000421348.13), dbSNP rs759679579, ClinGen allele CA8965889.